The following is an entry in ClinVar:

NM_001458.5(FLNC):c.6835G>A (p.Val2279Met)

Genes: FLNC (filamin C; plus strand), FLNC-AS1 (FLNC antisense RNA 1; minus strand). Cytogenetic location: 7q32.1.
Variant type: single nucleotide variant.
Coding change: c.6835G>A on transcript NM_001458.5 (MANE Select); coding-DNA position 6835, G replaced by A.
Protein change: p.Val2279Met; replaces valine 2279 with methionine.
Molecular consequence: missense variant.
Genome position (GRCh38, 1-based): chr7:128,854,520, G>A. VCF-style: chr7-128854520-G-A. GRCh37 (hg19) VCF-style: chr7-128494574-G-A.
Other names: c.6736G>A, p.Val2246Met (NM_001127487.2); short protein forms V2246M, V2279M.
Identifiers: ClinVar variation 2926330 (VCV002926330.4), dbSNP rs1396839810, ClinGen allele CA369213868.

ClinVar aggregate classification (germline): Conflicting classifications of pathogenicity. Review status: criteria provided, conflicting classifications (1 of 4 stars). 2 submissions from 2 submitters: Uncertain significance (1); Likely benign (1). Last evaluated 2026-03-31.

Conditions:
Myofibrillar myopathy 5. Also called: FILAMINOPATHY, AUTOSOMAL DOMINANT; Filaminopathy (type). Identifiers: Orphanet 171445, MedGen C1836050, MONDO:0012289, OMIM 609524.
Distal myopathy with posterior leg and anterior hand involvement. Also called: WILLIAMS DISTAL MYOPATHY. Identifiers: Orphanet 63273, MedGen C3279722, MONDO:0013550, OMIM 614065.
Hypertrophic cardiomyopathy 26. Also called: Cardiomyopathy, familial hypertrophic, 26. Identifiers: Orphanet 75249, MedGen C4310749, MONDO:0014883, OMIM 617047.

Allele frequency attached by ClinVar (database versions not stated): gnomAD exomes below 0.00001.
gnomAD v4.1: 2 of 1,605,990 alleles (0.00012%); highest among the groups gnomAD compares: Admixed American, 0.0017%; no homozygotes.

Submissions (2):

GeneDx
Classification: Uncertain significance. Last evaluated: 2026-03-31. Review status: criteria provided, single submitter. Criteria: GeneDx Variant Classification Process June 2021. Collection method: clinical testing. Allele origin: germline.
Comment: Not observed at significant frequency in large population cohorts (gnomAD); In silico analysis supports that this missense variant has a deleterious effect on protein structure/function; Has not been previously published as pathogenic or benign to our knowledge

Labcorp Genetics (formerly Invitae), Labcorp
Classification: Likely benign for Distal myopathy with posterior leg and anterior hand involvement; Myofibrillar myopathy 5; Hypertrophic cardiomyopathy 26. Last evaluated: 2023-04-06. Review status: criteria provided, single submitter. Criteria: Invitae Variant Classification Sherloc (09022015). Collection method: clinical testing. Allele origin: germline.